The following is an entry in ClinVar:

ClinVar aggregate classification (germline): Uncertain significance (1 of 4 stars; one submission).

Conditions:
Cystic fibrosis (CF). Also called: MUCOVISCIDOSIS. Identifiers: Orphanet 586, MedGen C0010674, MONDO:0009061, OMIM 219700. Disease mechanism: loss of function.

Submission:

Labcorp Genetics (formerly Invitae), Labcorp
Classification: Uncertain significance for Cystic fibrosis. Last evaluated: 2025-06-12. Review status: criteria provided, single submitter. Criteria: Invitae Variant Classification Sherloc (09022015). Collection method: clinical testing. Allele origin: germline.
Comment: This sequence change replaces aspartic acid, which is acidic and polar, with glycine, which is neutral and non-polar, at codon 426 of the CFTR protein (p.Asp426Gly). This variant is not present in population databases (gnomAD no frequency). This variant has not been reported in the literature in individuals affected with CFTR-related conditions. ClinVar contains an entry for this variant (Variation ID: 2080575). Invitae Evidence Modeling of protein sequence and biophysical properties (such as structural, functional, and spatial information, amino acid conservation, physicochemical variation, residue mobility, and thermodynamic stability) indicates that this missense variant is not expected to disrupt CFTR protein function with a negative predictive value of 80%. In summary, the available evidence is currently insufficient to determine the role of this variant in disease. Therefore, it has been classified as a Variant of Uncertain Significance.

NM_000492.4(CFTR):c.1277A>G (p.Asp426Gly)

Genes: CFTR (CF transmembrane conductance regulator; plus strand), CFTR-AS1 (CFTR antisense RNA 1; minus strand). Cytogenetic location: 7q31.2.
Variant type: single nucleotide variant.
Coding change: c.1277A>G on transcript NM_000492.4 (MANE Select); coding-DNA position 1277, A replaced by G.
Protein change: p.Asp426Gly; replaces aspartic acid 426 with glycine.
Molecular consequence: missense variant.
Genome position (GRCh38, 1-based): chr7:117,548,708, A>G. VCF-style: chr7-117548708-A-G. GRCh37 (hg19) VCF-style: chr7-117188762-A-G.
Other names: short protein forms D426G.
Identifiers: ClinVar variation 2080575 (VCV002080575.4), dbSNP rs1799212274, ClinGen allele CA368981620.